The following is an entry in ClinVar:

ClinVar aggregate classification (germline): Conflicting classifications of pathogenicity. Review status: criteria provided, conflicting classifications (1 of 4 stars). 4 submissions from 4 submitters: Uncertain significance (3); Benign (1). Last evaluated 2026-04-22.

Conditions:
DICER1-related tumor predisposition. Also called: DICER1-related pleuropulmonary blastoma cancer predisposition syndrome; DICER1 syndrome. Identifiers: Orphanet 284343, MedGen C3839822, MONDO:0100216.
Hereditary cancer-predisposing syndrome. Also called: Tumor predisposition; Hereditary neoplastic syndrome; Neoplastic Syndromes, Hereditary; Hereditary Cancer Syndrome. Identifiers: Orphanet 140162, MedGen C0027672, MeSH D009386, MONDO:0015356.
Global developmental delay - lung cysts - overgrowth - Wilms tumor syndrome. Also called: GLOW Syndrome; GLOBAL DEVELOPMENTAL DELAY, LUNG CYSTS, OVERGROWTH, AND WILMS TUMOR. Identifiers: Orphanet 404476, MedGen C4748924, MONDO:0018445, OMIM 618272.

Allele frequency attached by ClinVar (database versions not stated): TOPMed 0.00002; gnomAD 0.00001; ESP Exome Variant Server 0.00008; ExAC 0.00004; gnomAD exomes 0.00002.
gnomAD v4.1: 10 of 1,613,626 alleles (0.00062%); highest among the groups gnomAD compares: Admixed American, 0.0083%; no homozygotes.

Submissions (4):

Ambry Genetics
Classification: Uncertain significance for Hereditary cancer-predisposing syndrome. Last evaluated: 2026-04-22. Review status: criteria provided, single submitter. Criteria: Ambry Variant Classification Scheme 2023. Collection method: clinical testing. Allele origin: germline.
Comment: The c.1631G>A (p.R544Q) alteration is located in exon 10 (coding exon 9) of the DICER1 gene. This alteration results from a G to A substitution at nucleotide position 1631, causing the arginine (R) at amino acid position 544 to be replaced by a glutamine (Q). Based on data from gnomAD, the A allele has an overall frequency of 0.002% (6/251372) total alleles studied. The highest observed frequency was 0.012% (4/34590) of Latino alleles. Based on insufficient or conflicting evidence, the clinical significance of this alteration remains unclear.

Labcorp Genetics (formerly Invitae), Labcorp
Classification: Uncertain significance for DICER1-related tumor predisposition. Last evaluated: 2026-01-23. Review status: criteria provided, single submitter. Criteria: Invitae Variant Classification Sherloc (09022015). Collection method: clinical testing. Allele origin: germline.
Comment: This sequence change replaces arginine, which is basic and polar, with glutamine, which is neutral and polar, at codon 544 of the DICER1 protein (p.Arg544Gln). This variant is present in population databases (rs143533680, gnomAD 0.01%). This variant has not been reported in the literature in individuals affected with DICER1-related conditions. ClinVar contains an entry for this variant (Variation ID: 477049). Invitae Evidence Modeling of protein sequence and biophysical properties (such as structural, functional, and spatial information, amino acid conservation, physicochemical variation, residue mobility, and thermodynamic stability) indicates that this missense variant is not expected to disrupt DICER1 protein function with a negative predictive value of 95%. In summary, the available evidence is currently insufficient to determine the role of this variant in disease. Therefore, it has been classified as a Variant of Uncertain Significance.

Baylor Genetics
Classification: Uncertain significance for Global developmental delay - lung cysts - overgrowth - Wilms tumor syndrome. Last evaluated: 2023-09-02. Review status: criteria provided, single submitter. Criteria: ACMG Guidelines, 2015. Collection method: clinical testing. Allele origin: unknown.

Illumina Laboratory Services, Illumina
Classification: Benign for Pleuropulmonary blastoma. Last evaluated: 2018-01-12. Review status: criteria provided, single submitter. Criteria: ICSL Variant Classification Criteria 13 December 2019. Collection method: clinical testing. Allele origin: germline.
Comment: This variant was observed in the ICSL laboratory as part of a predisposition screen in an ostensibly healthy population. It had not been previously curated by ICSL or reported in the Human Gene Mutation Database (HGMD: prior to June 1st, 2018), and was therefore a candidate for classification through an automated scoring system. Utilizing variant allele frequency, disease prevalence and penetrance estimates, and inheritance mode, an automated score was calculated to assess if this variant is too frequent to cause the disease. Based on the score and internal cut-off values, a variant classified as benign is not then subjected to further curation. The score for this variant resulted in a classification of benign for this disease.

NM_177438.3(DICER1):c.1631G>A (p.Arg544Gln)

Gene: DICER1 (dicer 1, ribonuclease III; minus strand). Cytogenetic location: 14q32.13.
Variant type: single nucleotide variant.
Coding change: c.1631G>A on transcript NM_177438.3 (MANE Select); coding-DNA position 1631, G replaced by A.
Protein change: p.Arg544Gln; replaces arginine 544 with glutamine.
Molecular consequence: missense variant.
Genome position (GRCh38, 1-based): chr14:95,116,574, C>T on the plus strand (G>A on the coding strand, the complement: DICER1 is on the minus strand). VCF-style: chr14-95116574-C-T. GRCh37 (hg19) VCF-style: chr14-95582911-C-T.
Other names: c.1631G>A, p.Arg544Gln (NM_001195573.1, NM_001271282.3, NM_001291628.2 and 1 more transcripts); short protein forms R544Q.
Identifiers: ClinVar variation 477049 (VCV000477049.22), dbSNP rs143533680, ClinGen allele CA7331446.